The following is an entry in ClinVar:

ClinVar aggregate classification (germline): Uncertain significance (1 of 4 stars; one submission).

Submission:

Women's Health and Genetics/Laboratory Corporation of America, LabCorp
Classification: Uncertain significance. Last evaluated: 2024-08-05. Review status: criteria provided, single submitter. Criteria: LabCorp Variant Classification Summary - May 2015. Collection method: clinical testing. Allele origin: germline.
Comment: Variant summary: COL4A4 c.2914G>C (p.Gly972Arg) results in a non-conservative amino acid change in the encoded protein sequence. Five of five in-silico tools predict a damaging effect of the variant on protein function. The variant was absent in 249568 control chromosomes (gnomAD). The available data on variant occurrences in the general population are insufficient to allow any conclusion about variant significance. To our knowledge, no occurrence of c.2914G>C in individuals affected with Alport Syndrome, Autosomal Recessive and no experimental evidence demonstrating its impact on protein function have been reported. No submitters have cited clinical-significance assessments for this variant to ClinVar. Based on the evidence outlined above, the variant was classified as uncertain significance.

NM_000092.5(COL4A4):c.2914G>C (p.Gly972Arg)

Gene: COL4A4 (collagen type IV alpha 4 chain; minus strand). Cytogenetic location: 2q36.3.
Variant type: single nucleotide variant.
Coding change: c.2914G>C on transcript NM_000092.5 (MANE Select); coding-DNA position 2914, G replaced by C.
Protein change: p.Gly972Arg; replaces glycine 972 with arginine.
Molecular consequence: missense variant.
Genome position (GRCh38, 1-based): chr2:227,052,359, C>G on the plus strand (G>C on the coding strand, the complement: COL4A4 is on the minus strand). VCF-style: chr2-227052359-C-G. GRCh37 (hg19) VCF-style: chr2-227917075-C-G.
Other names: short protein forms G972R.
Identifiers: ClinVar variation 3366492 (VCV003366492.1).